The following is an entry in ClinVar:

ClinVar aggregate classification (germline): Uncertain significance (1 of 4 stars; one submission).

Conditions:
Autosomal recessive limb-girdle muscular dystrophy type 2Y (MRRSDC). Also called: Muscular dystrophy, autosomal recessive, with rigid spine and distal joint contractures; Muscular dystrophy, limb-girdle, type 2y. Identifiers: Orphanet 424261, MedGen C4511482, MONDO:0014900, OMIM 617072.

Allele frequency attached by ClinVar (database versions not stated): gnomAD exomes below 0.00001; TOPMed below 0.00001; ExAC 0.00001.
gnomAD v4.1: 1 of 1,614,232 alleles (0.000062%); highest among the groups gnomAD compares: Non-Finnish European, 0.000085%; no homozygotes.

Submission:

Labcorp Genetics (formerly Invitae), Labcorp
Classification: Uncertain significance for Autosomal recessive limb-girdle muscular dystrophy type 2Y. Last evaluated: 2021-08-27. Review status: criteria provided, single submitter. Criteria: Invitae Variant Classification Sherloc (09022015). Collection method: clinical testing. Allele origin: germline.
Comment: In summary, the available evidence is currently insufficient to determine the role of this variant in disease. Therefore, it has been classified as a Variant of Uncertain Significance. Algorithms developed to predict the effect of missense changes on protein structure and function output the following: SIFT: "Deleterious"; PolyPhen-2: "Benign"; Align-GVGD: "Class C0". The threonine amino acid residue is found in multiple mammalian species, which suggests that this missense change does not adversely affect protein function. This variant has not been reported in the literature in individuals affected with TOR1AIP1-related conditions. This variant is present in population databases (rs751742803, ExAC 0.006%). This sequence change replaces alanine with threonine at codon 95 of the TOR1AIP1 protein (p.Ala95Thr). The alanine residue is weakly conserved and there is a small physicochemical difference between alanine and threonine.

NM_015602.4(TOR1AIP1):c.283G>A (p.Ala95Thr)

Genes: TOR1AIP1 (torsin 1A interacting protein 1; plus strand), LOC112577517 (Sharpr-MPRA regulatory region 13766; plus strand). Cytogenetic location: 1q25.2.
Variant type: single nucleotide variant.
Coding change: c.283G>A on transcript NM_015602.4 (MANE Select); coding-DNA position 283, G replaced by A.
Protein change: p.Ala95Thr; replaces alanine 95 with threonine.
Molecular consequence: missense variant.
Genome position (GRCh38, 1-based): chr1:179,882,785, G>A. VCF-style: chr1-179882785-G-A. GRCh37 (hg19) VCF-style: chr1-179851920-G-A.
Other names: c.283G>A, p.Ala95Thr (NM_001267578.2); short protein forms A95T.
Identifiers: ClinVar variation 1426933 (VCV001426933.4), dbSNP rs751742803, ClinGen allele CA1268705.